The following is an entry in ClinVar:

ClinVar aggregate classification (germline): Uncertain significance. Review status: criteria provided, multiple submitters, no conflicts (2 of 4 stars). 2 submissions from 2 submitters: Uncertain significance (2). Last evaluated 2025-08-10.

Conditions:
Inborn genetic diseases. Identifiers: MedGen C0950123, MeSH D030342.
Predisposition to invasive fungal disease due to CARD9 deficiency (IMD103). Also called: CARD9 IMMUNODEFICIENCY; Candidiasis, familial, 2, autosomal recessive; IMMUNODEFICIENCY 103, SUSCEPTIBILITY TO FUNGAL INFECTIONS. Identifiers: Orphanet 457088, MedGen C1859353, MONDO:0008905, OMIM 212050.

Submissions (2):

Ambry Genetics
Classification: Uncertain significance for Inborn genetic diseases. Last evaluated: 2025-08-10. Review status: criteria provided, single submitter. Criteria: Ambry Variant Classification Scheme 2023. Collection method: clinical testing. Allele origin: germline.

Labcorp Genetics (formerly Invitae), Labcorp
Classification: Uncertain significance for Predisposition to invasive fungal disease due to CARD9 deficiency. Last evaluated: 2024-10-22. Review status: criteria provided, single submitter. Criteria: Invitae Variant Classification Sherloc (09022015). Collection method: clinical testing. Allele origin: germline.
Comment: This sequence change replaces arginine, which is basic and polar, with glutamine, which is neutral and polar, at codon 357 of the CARD9 protein (p.Arg357Gln). The frequency data for this variant in the population databases is considered unreliable, as metrics indicate poor data quality at this position in the gnomAD database. This variant has not been reported in the literature in individuals affected with CARD9-related conditions. Invitae Evidence Modeling of protein sequence and biophysical properties (such as structural, functional, and spatial information, amino acid conservation, physicochemical variation, residue mobility, and thermodynamic stability) indicates that this missense variant is expected to disrupt CARD9 protein function with a positive predictive value of 80%. In summary, the available evidence is currently insufficient to determine the role of this variant in disease. Therefore, it has been classified as a Variant of Uncertain Significance.

NM_052813.5(CARD9):c.1070G>A (p.Arg357Gln)

Gene: CARD9 (caspase recruitment domain family member 9; minus strand). Cytogenetic location: 9q34.3.
Variant type: single nucleotide variant.
Coding change: c.1070G>A on transcript NM_052813.5 (MANE Select); coding-DNA position 1070, G replaced by A.
Protein change: p.Arg357Gln; replaces arginine 357 with glutamine.
Molecular consequence: missense variant.
Genome position (GRCh38, 1-based): chr9:136,369,757, C>T on the plus strand (G>A on the coding strand, the complement: CARD9 is on the minus strand). VCF-style: chr9-136369757-C-T. GRCh37 (hg19) VCF-style: chr9-139264209-C-T.
Other names: c.1070G>A, p.Arg357Gln (NM_052814.4); short protein forms R357Q.
Identifiers: ClinVar variation 3627674 (VCV003627674.2).